The following is an entry in ClinVar:

ClinVar aggregate classification (germline): Benign/Likely benign. Review status: criteria provided, multiple submitters, no conflicts (2 of 4 stars). 6 submissions from 6 submitters: Benign (4); Likely benign (2). Last evaluated 2026-02-01.

Allele frequency attached by ClinVar (database versions not stated): ESP Exome Variant Server 0.00269; gnomAD 0.00275 and 0.00417; TOPMed 0.00325; gnomAD exomes 0.00498 and 0.00806; ExAC 0.00828; 1000 Genomes Project 30x 0.00953; 1000 Genomes Project 0.01038.
gnomAD v4.1: 8,099 of 1,614,080 alleles (0.5%); highest among the groups gnomAD compares: South Asian, 3.5%; 123 homozygotes.

Submissions (6):

Labcorp Genetics (formerly Invitae), Labcorp
Classification: Benign. Last evaluated: 2026-02-01. Review status: criteria provided, single submitter. Criteria: Invitae Variant Classification Sherloc (09022015). Collection method: clinical testing. Allele origin: germline.

Mayo Clinic Laboratories, Mayo Clinic
Classification: Benign. Last evaluated: 2023-10-31. Review status: criteria provided, single submitter. Criteria: ACMG Guidelines, 2015. Collection method: clinical testing. Allele origin: germline. Observed: 15 variant alleles.
Comment: BS1, BS2, BP4, BP7

GeneDx
Classification: Likely benign. Last evaluated: 2021-04-20. Review status: criteria provided, single submitter. Criteria: GeneDx Variant Classification Process June 2021. Collection method: clinical testing. Allele origin: germline. Affected: yes.

Eurofins Ntd Llc (ga)
Classification: Benign. Last evaluated: 2015-03-26. Review status: criteria provided, single submitter. Criteria: EGL Classification Definitions 2015. Collection method: clinical testing. Allele origin: germline. Observed: 1 variant allele, 1 heterozygote.

Breakthrough Genomics
Classification: Likely benign. Review status: criteria provided, single submitter. Criteria: ACMG Guidelines, 2015. Collection method: not provided. Allele origin: germline. Inheritance: Autosomal recessive inheritance. Affected: yes.

PreventionGenetics, part of Exact Sciences
Classification: Benign. Review status: criteria provided, single submitter. Criteria: ACMG Guidelines, 2015. Collection method: clinical testing. Allele origin: germline.

NM_001193315.2(VIPAS39):c.861C>T (p.Ser287=)

Gene: VIPAS39 (VPS33B interacting protein, apical-basolateral polarity regulator, spe-39 homolog; minus strand). Cytogenetic location: 14q24.3.
Variant type: single nucleotide variant.
Coding change: c.861C>T on transcript NM_001193315.2 (MANE Select); coding-DNA position 861, C replaced by T.
Protein change: p.Ser287=; no amino-acid change (serine 287 retained).
Molecular consequence: synonymous variant.
Genome position (GRCh38, 1-based): chr14:77,435,895, G>A on the plus strand (C>T on the coding strand, the complement: VIPAS39 is on the minus strand). VCF-style: chr14-77435895-G-A. GRCh37 (hg19) VCF-style: chr14-77902238-G-A.
Other names: p.Ser287=; c.861C>T, p.Ser287= (NM_001193314.2, NM_001193317.2, NM_022067.4); c.714C>T, p.Ser238= (NM_001193316.2).
Identifiers: ClinVar variation 194427 (VCV000194427.19), dbSNP rs148698913, ClinGen allele CA201176.